The following is an entry in ClinVar:

NM_018486.3(HDAC8):c.1019A>C (p.Tyr340Ser)

Gene: HDAC8 (histone deacetylase 8; minus strand). Cytogenetic location: Xq13.1.
Variant type: single nucleotide variant.
Coding change: c.1019A>C on transcript NM_018486.3 (MANE Select); coding-DNA position 1019, A replaced by C.
Protein change: p.Tyr340Ser; replaces tyrosine 340 with serine.
Molecular consequence: missense variant. On other transcripts: non-coding transcript variant (1).
Genome position (GRCh38, 1-based): chrX:72,351,825, T>G on the plus strand (A>C on the coding strand, the complement: HDAC8 is on the minus strand). VCF-style: chrX-72351825-T-G. GRCh37 (hg19) VCF-style: chrX-71571675-T-G.
Other names: c.746A>C, p.Tyr249Ser (NM_001166418.2); short protein forms Y340S, Y249S.
Identifiers: ClinVar variation 473110 (VCV000473110.1), dbSNP rs1555949010, ClinGen allele CA413638536.

ClinVar aggregate classification (germline): Likely pathogenic (1 of 4 stars; one submission).

Conditions:
Cornelia de Lange syndrome 5 (CDLS5). Also called: HDAC8-Related Cornelia de Lange Syndrome. Identifiers: Orphanet 199, MedGen C3550903, MONDO:0010471, OMIM 300882.

Submission:

Labcorp Genetics (formerly Invitae), Labcorp
Classification: Likely pathogenic for Cornelia de Lange syndrome 5. Last evaluated: 2016-12-09. Review status: criteria provided, single submitter. Criteria: Invitae Variant Classification Sherloc (09022015). Collection method: clinical testing. Allele origin: germline.
Comment: This sequence change replaces tyrosine with serine at codon 340 of the HDAC8 protein (p.Tyr340Ser). The tyrosine residue is highly conserved and there is a large physicochemical difference between tyrosine and serine. While this variant is not present in population databases, the frequency information is unreliable, as metrics indicate poor data quality at this position in the ExAC database. This variant has not been reported in the literature in an individual with a HDAC8-related disease. Algorithms developed to predict the effect of missense changes on protein structure and function do not agree on the potential impact of this missense change (SIFT: "Tolerated"; PolyPhen-2: "Possibly Damaging"; Align-GVGD: "Class C0"). In summary, this variant is a novel missense change that has been shown to occur as a de novo variant. This indicates that the variant is pathogenic, but additional data is needed to prove that conclusively. Therefore, this variant has been classified as Likely Pathogenic.